The following is an entry in ClinVar:

ClinVar aggregate classification (germline): Uncertain significance (1 of 4 stars; one submission).

Allele frequency attached by ClinVar (database versions not stated): gnomAD 0.00001; gnomAD exomes 0.00001 and 0.00002; TOPMed 0.00002.
gnomAD v4.1: 33 of 1,610,714 alleles (0.002%); highest among the groups gnomAD compares: East Asian, 0.0045%; no homozygotes.

Submission:

Labcorp Genetics (formerly Invitae), Labcorp
Classification: Uncertain significance. Last evaluated: 2022-08-22. Review status: criteria provided, single submitter. Criteria: Invitae Variant Classification Sherloc (09022015). Collection method: clinical testing. Allele origin: germline.
Comment: This sequence change replaces threonine with methionine at codon 355 of the SLC46A1 protein (p.Thr355Met). The threonine residue is highly conserved and there is a moderate physicochemical difference between threonine and methionine. This variant is present in population databases (no rsID available, gnomAD 0.002%). This variant has not been reported in the literature in individuals affected with SLC46A1-related conditions. ClinVar contains an entry for this variant (Variation ID: 1390771). In summary, the available evidence is currently insufficient to determine the role of this variant in disease. Therefore, it has been classified as a Variant of Uncertain Significance.

NM_080669.6(SLC46A1):c.1064C>T (p.Thr355Met)

Gene: SLC46A1 (solute carrier family 46 member 1; minus strand). Cytogenetic location: 17q11.2.
Variant type: single nucleotide variant.
Coding change: c.1064C>T on transcript NM_080669.6 (MANE Select); coding-DNA position 1064, C replaced by T.
Protein change: p.Thr355Met; replaces threonine 355 with methionine.
Molecular consequence: missense variant.
Genome position (GRCh38, 1-based): chr17:28,404,633, G>A on the plus strand (C>T on the coding strand, the complement: SLC46A1 is on the minus strand). VCF-style: chr17-28404633-G-A. GRCh37 (hg19) VCF-style: chr17-26731651-G-A.
Other names: c.1064C>T, p.Thr355Met (NM_001242366.3); short protein forms T355M.
Identifiers: ClinVar variation 1390771 (VCV001390771.3), dbSNP rs1164744443, ClinGen allele CA398345646.